The following is an entry in ClinVar:

ClinVar aggregate classification (germline): Uncertain significance. Review status: criteria provided, multiple submitters, no conflicts (2 of 4 stars). 2 submissions from 2 submitters: Uncertain significance (2). Last evaluated 2025-06-04.

Conditions:
Noonan syndrome (NS). Also called: Noonan's syndrome. Identifiers: Orphanet 648, MedGen C0028326, MeSH D009634, MONDO:0018997. Disease mechanism: gain of function.

Allele frequency attached by ClinVar (database versions not stated): ExAC 0.00001; gnomAD exomes 0.00001; TOPMed 0.00001.

Submissions (2):

Labcorp Genetics (formerly Invitae), Labcorp
Classification: Uncertain significance for Noonan syndrome. Last evaluated: 2025-06-04. Review status: criteria provided, single submitter. Criteria: Invitae Variant Classification Sherloc (09022015). Collection method: clinical testing. Allele origin: germline.
Comment: This sequence change replaces arginine, which is basic and polar, with cysteine, which is neutral and slightly polar, at codon 150 of the RRAS protein (p.Arg150Cys). The frequency data for this variant in the population databases is considered unreliable, as metrics indicate poor data quality at this position in the gnomAD database. This variant has not been reported in the literature in individuals affected with RRAS-related conditions. ClinVar contains an entry for this variant (Variation ID: 1019447). An algorithm developed to predict the effect of missense changes on protein structure and function (PolyPhen-2) suggests that this variant is likely to be disruptive. In summary, the available evidence is currently insufficient to determine the role of this variant in disease. Therefore, it has been classified as a Variant of Uncertain Significance.

Ambry Genetics
Classification: Uncertain significance. Last evaluated: 2025-02-09. Review status: criteria provided, single submitter. Criteria: Ambry Variant Classification Scheme 2023. Collection method: clinical testing. Allele origin: germline.
Comment: The p.R150C variant (also known as c.448C>T), located in coding exon 4 of the RRAS gene, results from a C to T substitution at nucleotide position 448. The arginine at codon 150 is replaced by cysteine, an amino acid with highly dissimilar properties. This amino acid position is conserved. In addition, the in silico prediction for this alteration is inconclusive. Based on the available evidence, the clinical significance of this variant remains unclear.

NM_006270.5(RRAS):c.448C>T (p.Arg150Cys)

Gene: RRAS (RAS related; minus strand). Cytogenetic location: 19q13.33.
Variant type: single nucleotide variant.
Coding change: c.448C>T on transcript NM_006270.5 (MANE Select); coding-DNA position 448, C replaced by T.
Protein change: p.Arg150Cys; replaces arginine 150 with cysteine.
Molecular consequence: missense variant.
Genome position (GRCh38, 1-based): chr19:49,636,624, G>A on the plus strand (C>T on the coding strand, the complement: RRAS is on the minus strand). VCF-style: chr19-49636624-G-A. GRCh37 (hg19) VCF-style: chr19-50139881-G-A.
Other names: c.448C>T (NM_006270.3); short protein forms R150C.
Identifiers: ClinVar variation 1019447 (VCV001019447.9), dbSNP rs767209383, ClinGen allele CA9579022.
Genomic context (GRCh38, chr19:49,636,624, plus strand): 5'-TGGAAGGAGCCTCCCAGACTGAGATGGGGTCCCCAGAAAGAGGGGTGTCCCGAACCTGGC[G>A]CTGTGACTCCAGATCTGCCTTGTTCCCGACCAACACAACGGGGAAGTCGTCGCGGTCCTT-3'
Protein context (NP_006261.1, residues 140-160): VGNKADLESQ[Arg150Cys]QVPRSEASAF